The following is an entry in ClinVar:

NM_177924.5(ASAH1):c.517A>G (p.Asn173Asp)

Gene: ASAH1 (N-acylsphingosine amidohydrolase 1; minus strand). Cytogenetic location: 8p22.
Variant type: single nucleotide variant.
Coding change: c.517A>G on transcript NM_177924.5 (MANE Select); coding-DNA position 517, A replaced by G.
Protein change: p.Asn173Asp; replaces asparagine 173 with aspartic acid.
Molecular consequence: missense variant.
Genome position (GRCh38, 1-based): chr8:18,062,410, T>C on the plus strand (A>G on the coding strand, the complement: ASAH1 is on the minus strand). VCF-style: chr8-18062410-T-C. GRCh37 (hg19) VCF-style: chr8-17919919-T-C.
Other names: c.499A>G, p.Asn167Asp (NM_001127505.3); c.322A>G, p.Asn108Asp (NM_001363743.2); c.565A>G, p.Asn189Asp (NM_004315.6); short protein forms N108D, N167D, N189D, N173D.
Identifiers: ClinVar variation 2009398 (VCV002009398.1), dbSNP rs1799744525, ClinGen allele CA370430275.

ClinVar aggregate classification (germline): Uncertain significance (1 of 4 stars; one submission).

Allele frequency attached by ClinVar (database versions not stated): TOPMed 0.00001.

Submission:

Labcorp Genetics (formerly Invitae), Labcorp
Classification: Uncertain significance. Last evaluated: 2022-06-22. Review status: criteria provided, single submitter. Criteria: Invitae Variant Classification Sherloc (09022015). Collection method: clinical testing. Allele origin: germline.
Comment: This sequence change replaces asparagine, which is neutral and polar, with aspartic acid, which is acidic and polar, at codon 173 of the ASAH1 protein (p.Asn173Asp). This variant is not present in population databases (gnomAD no frequency). This variant has not been reported in the literature in individuals affected with ASAH1-related conditions. Algorithms developed to predict the effect of missense changes on protein structure and function (SIFT, PolyPhen-2, Align-GVGD) all suggest that this variant is likely to be tolerated. In summary, the available evidence is currently insufficient to determine the role of this variant in disease. Therefore, it has been classified as a Variant of Uncertain Significance.